The following is an entry in ClinVar:

ClinVar aggregate classification (germline): Likely benign. Review status: criteria provided, multiple submitters, no conflicts (2 of 4 stars). 4 submissions from 4 submitters: Likely benign (4). Last evaluated 2025-06-10.

Allele frequency attached by ClinVar (database versions not stated): ExAC 0.00008; gnomAD exomes 0.00013; gnomAD 0.00025; TOPMed 0.00031.
gnomAD v4.1: 223 of 1,581,090 alleles (0.014%); highest among the groups gnomAD compares: African/African-American, 0.042%; no homozygotes.

Submissions (4):

Women's Health and Genetics/Laboratory Corporation of America, LabCorp
Classification: Likely benign. Last evaluated: 2025-06-10. Review status: criteria provided, single submitter. Criteria: LabCorp Variant Classification Summary - May 2015. Collection method: clinical testing. Allele origin: germline.

Athena Diagnostics
Classification: Likely benign. Last evaluated: 2025-01-07. Review status: criteria provided, single submitter. Criteria: Athena Diagnostics Criteria. Collection method: clinical testing. Allele origin: unknown.
Comment: Computational tools yielded predictions that this variant is unlikely to have an effect on normal RNA splicing. This nucleotide position exhibits low evolutionary conservation.

Blueprint Genetics
Classification: Likely benign. Last evaluated: 2024-09-30. Review status: criteria provided, single submitter. Criteria: ACMG Guidelines, 2015. Collection method: clinical testing. Allele origin: germline.

CeGaT Center for Human Genetics Tuebingen
Classification: Likely benign. Last evaluated: 2022-11-01. Review status: criteria provided, single submitter. Criteria: CeGaT Center For Human Genetics Tuebingen Variant Classification Criteria Version 2. Collection method: clinical testing. Allele origin: germline. Affected: yes. Observed: 1 variant allele.
Comment: PKD1: BP4, BP7

Literature cited by the submitters: PubMed 27499327 (cited by Athena Diagnostics); PubMed 21179087 (cited by Athena Diagnostics).

NM_001009944.3(PKD1):c.6603A>G (p.Pro2201=)

Gene: PKD1 (polycystin 1, transient receptor potential channel interacting; minus strand). Cytogenetic location: 16p13.3.
Variant type: single nucleotide variant.
Coding change: c.6603A>G on transcript NM_001009944.3 (MANE Select); coding-DNA position 6603, A replaced by G.
Protein change: p.Pro2201=; no amino-acid change (proline 2201 retained).
Molecular consequence: synonymous variant.
Genome position (GRCh38, 1-based): chr16:2,108,564, T>C on the plus strand (A>G on the coding strand, the complement: PKD1 is on the minus strand). VCF-style: chr16-2108564-T-C. GRCh37 (hg19) VCF-style: chr16-2158565-T-C.
Other names: c.6603A>G, p.Pro2201= (NM_000296.4); c.6603A>G (NM_000296.3).
Identifiers: ClinVar variation 2646009 (VCV002646009.26), dbSNP rs751666019, ClinGen allele CA7831544.